The following is an entry in ClinVar:

ClinVar aggregate classification (germline): Uncertain significance (1 of 4 stars; one submission).

Submission:

Labcorp Genetics (formerly Invitae), Labcorp
Classification: Uncertain significance. Last evaluated: 2024-12-16. Review status: criteria provided, single submitter. Criteria: Invitae Variant Classification Sherloc (09022015). Collection method: clinical testing. Allele origin: germline.
Comment: This sequence change replaces aspartic acid, which is acidic and polar, with glycine, which is neutral and non-polar, at codon 155 of the NEXMIF protein (p.Asp155Gly). This variant is not present in population databases (gnomAD no frequency). This variant has not been reported in the literature in individuals affected with NEXMIF-related conditions. An algorithm developed to predict the effect of missense changes on protein structure and function (PolyPhen-2) suggests that this variant is likely to be disruptive. In summary, the available evidence is currently insufficient to determine the role of this variant in disease. Therefore, it has been classified as a Variant of Uncertain Significance.

NM_001008537.3(NEXMIF):c.464A>G (p.Asp155Gly)

Gene: NEXMIF (neurite extension and migration factor; minus strand). Cytogenetic location: Xq13.3.
Variant type: single nucleotide variant.
Coding change: c.464A>G on transcript NM_001008537.3 (MANE Select); coding-DNA position 464, A replaced by G.
Protein change: p.Asp155Gly; replaces aspartic acid 155 with glycine.
Molecular consequence: missense variant.
Genome position (GRCh38, 1-based): chrX:74,744,093, T>C on the plus strand (A>G on the coding strand, the complement: NEXMIF is on the minus strand). VCF-style: chrX-74744093-T-C. GRCh37 (hg19) VCF-style: chrX-73963928-T-C.
Other names: short protein forms D155G.
Identifiers: ClinVar variation 3639640 (VCV003639640.2).